The following is an entry in ClinVar:

NM_001267550.2(TTN):c.81391A>T (p.Lys27131Ter)

Genes: TTN (titin; minus strand), TTN-AS1 (TTN antisense RNA 1; plus strand). Cytogenetic location: 2q31.2.
Variant type: single nucleotide variant.
Coding change: c.81391A>T on transcript NM_001267550.2 (MANE Select); coding-DNA position 81391, A replaced by T.
Protein change: p.Lys27131Ter; replaces lysine 27131 with a stop codon.
Molecular consequence: nonsense.
Genome position (GRCh38, 1-based): chr2:178,564,741, T>A on the plus strand (A>T on the coding strand, the complement: TTN is on the minus strand). VCF-style: chr2-178564741-T-A. GRCh37 (hg19) VCF-style: chr2-179429468-T-A.
Other names: c.76468A>T, p.Lys25490Ter (NM_001256850.1); c.54196A>T, p.Lys18066Ter (NM_003319.4); c.73687A>T, p.Lys24563Ter (NM_133378.4); c.54571A>T, p.Lys18191Ter (NM_133432.3); c.54772A>T, p.Lys18258Ter (NM_133437.4); short protein forms K18066*, K18191*, K18258*, K24563*, K25490*, K27131*.
Identifiers: ClinVar variation 4891373 (VCV004891373.1).
Genomic context (GRCh38, chr2:178,564,741, plus strand): 5'-TTTCAGCAGAAACTTTGAACTCATACTCAAGGCCCTCATCAAGCCCAGTTGTTTTGAATT[T>A]GGTGTCCTGAATGGGGGTCTTATTTAACTTGACCCATAAAATACTGTTCTTTTCTTTCTG-3'

ClinVar aggregate classification (germline): Pathogenic (1 of 4 stars; one submission).

Submission:

GeneDx
Classification: Pathogenic. Last evaluated: 2026-03-10. Review status: criteria provided, single submitter. Criteria: GeneDx Variant Classification Process June 2021. Collection method: clinical testing. Allele origin: germline.
Comment: Not observed at significant frequency in large population cohorts (gnomAD); Located in the A-band, a region of TTN for which truncating variants are significantly associated with autosomal dominant cardiomyopathy and also with autosomal recessive skeletal myopathies (PMID: 22335739, 32778822); Nonsense variant predicted to result in protein truncation or nonsense mediated decay in a gene for which loss of function is a known mechanism of disease; This variant is associated with the following publications: (PMID: 22335739, 32778822, 28045975)